The following is an entry in ClinVar:

NM_000631.5(NCF4):c.88G>A (p.Glu30Lys)

Genes: NCF4 (neutrophil cytosolic factor 4; plus strand), NCF4-AS1 (NCF4 antisense RNA 1; minus strand). Cytogenetic location: 22q12.3.
Variant type: single nucleotide variant.
Coding change: c.88G>A on transcript NM_000631.5 (MANE Select); coding-DNA position 88, G replaced by A.
Protein change: p.Glu30Lys; replaces glutamic acid 30 with lysine.
Molecular consequence: missense variant.
Genome position (GRCh38, 1-based): chr22:36,864,100, G>A. VCF-style: chr22-36864100-G-A. GRCh37 (hg19) VCF-style: chr22-37260142-G-A.
Other names: c.88G>A, p.Glu30Lys (NM_013416.4); short protein forms E30K.
Identifiers: ClinVar variation 2151622 (VCV002151622.4), dbSNP rs775229266, ClinGen allele CA10212830.

ClinVar aggregate classification (germline): Uncertain significance (1 of 4 stars; one submission).

Conditions:
Granulomatous disease, chronic, autosomal recessive, cytochrome b-positive, type 3. Also called: Granulomatous disease, chronic, autosomal recessive, cytochrome b-positive, type III; GRANULOMATOUS DISEASE, CHRONIC, DUE TO NCF4 DEFICIENCY; GRANULOMATOUS DISEASE, CHRONIC, AUTOSOMAL RECESSIVE, 3; CGD, AUTOSOMAL RECESSIVE CYTOCHROME b-POSITIVE, TYPE III. Identifiers: Orphanet 379, MedGen C3151409, MONDO:0013507, OMIM 613960.

Allele frequency attached by ClinVar (database versions not stated): gnomAD 0.00001; gnomAD exomes 0.00001; TOPMed 0.00001; ExAC 0.00002.
gnomAD v4.1: 17 of 1,613,800 alleles (0.0011%); highest among the groups gnomAD compares: Middle Eastern, 0.016%; no homozygotes.

Submission:

Labcorp Genetics (formerly Invitae), Labcorp
Classification: Uncertain significance for Granulomatous disease, chronic, autosomal recessive, cytochrome b-positive, type 3. Last evaluated: 2023-07-17. Review status: criteria provided, single submitter. Criteria: Invitae Variant Classification Sherloc (09022015). Collection method: clinical testing. Allele origin: germline.
Comment: In summary, the available evidence is currently insufficient to determine the role of this variant in disease. Therefore, it has been classified as a Variant of Uncertain Significance. An algorithm developed to predict the effect of missense changes on protein structure and function (PolyPhen-2) suggests that this variant is likely to be disruptive. ClinVar contains an entry for this variant (Variation ID: 2151622). This variant has not been reported in the literature in individuals affected with NCF4-related conditions. This variant is present in population databases (rs775229266, gnomAD 0.02%). This sequence change replaces glutamic acid, which is acidic and polar, with lysine, which is basic and polar, at codon 30 of the NCF4 protein (p.Glu30Lys).